The following is an entry in ClinVar:

ClinVar aggregate classification (germline): Pathogenic/Likely pathogenic. Review status: criteria provided, multiple submitters, no conflicts (2 of 4 stars). 4 submissions from 4 submitters: Pathogenic (3); Likely pathogenic (1). Last evaluated 2026-07-07.

Conditions:
Autosomal dominant polycystic kidney disease. Identifiers: Orphanet 730, MedGen C0085413, MONDO:0004691.
Polycystic kidney disease, adult type (PKD1). Also called: Polycystic Kidney Disease 1, Autosomal Dominant; Polycystic kidney disease 1; Polycystic kidney disease 1, severe; Polycystic Kidney, Autosomal Dominant; POLYCYSTIC KIDNEY DISEASE 1 WITH OR WITHOUT POLYCYSTIC LIVER DISEASE; POLYCYSTIC KIDNEY DISEASE, ADULT, TYPE I. Identifiers: MedGen C3149841, MONDO:0008263, OMIM 173900.

Submissions (4):

Medgenome Labs Ltd
Classification: Likely pathogenic for Polycystic kidney disease, adult type. Last evaluated: 2026-07-07. Review status: criteria provided, single submitter. Criteria: ACMG Guidelines, 2015. Collection method: clinical testing. Allele origin: germline. Affected: yes.

MVZ Martinsried, Medicover Genetics
Classification: Pathogenic for Polycystic kidney disease, adult type. Last evaluated: 2024-02-29. Review status: criteria provided, single submitter. Criteria: ACGS Guidelines, 2020. Collection method: clinical testing. Allele origin: unknown. Affected: yes.

Mayo Clinic Laboratories, Mayo Clinic
Classification: Pathogenic. Last evaluated: 2023-12-04. Review status: criteria provided, single submitter. Criteria: ACMG Guidelines, 2015. Collection method: clinical testing. Allele origin: germline. Observed: 2 variant alleles.
Comment: PM2, PS4_supporting, PVS1

Department of Pathology and Laboratory Medicine, Sinai Health System
Classification: Pathogenic for autosomal dominant polycystic kidney disease. Last evaluated: 2018-10-15. Review status: criteria provided, single submitter. Criteria: ACMG Guidelines, 2015. Collection method: clinical testing. Allele origin: germline.

Literature cited by the submitters: PubMed 25340609 (cited by Mayo Clinic Laboratories, Mayo Clinic); PubMed 33639313 (cited by Mayo Clinic Laboratories, Mayo Clinic); PubMed 36833371 (cited by Mayo Clinic Laboratories, Mayo Clinic).

NM_001009944.3(PKD1):c.4796dup (p.Tyr1599Ter)

Gene: PKD1 (polycystin 1, transient receptor potential channel interacting; minus strand). Cytogenetic location: 16p13.3.
Variant type: Duplication.
Coding change: c.4796dup on transcript NM_001009944.3 (MANE Select); coding-DNA position 4796, one base duplicated (A; older notation c.4796dupA).
Protein change: p.Tyr1599Ter; replaces tyrosine 1599 with a stop codon.
Molecular consequence: nonsense.
Genome position (GRCh38, 1-based): chr16:2,110,371, T duplicated on the plus strand (A on the coding strand, the reverse complement: PKD1 is on the minus strand). VCF-style (leftmost placement, unchanged base first): chr16-2110370-G-GT. GRCh37 (hg19) VCF-style: chr16-2160371-G-GT.
Other names: p.Tyr1599*; c.4796dup, p.Tyr1599Ter (NM_000296.4); c.4796dup (NM_001009944.2); short protein forms Y1599*.
Identifiers: ClinVar variation 3381139 (VCV003381139.4), dbSNP rs1596557742.